The following is an entry in ClinVar:

NM_206933.4(USH2A):c.5365C>A (p.Leu1789Ile)

Genes: USH2A-AS2 (USH2A antisense RNA 2; plus strand), USH2A (usherin; minus strand). Cytogenetic location: 1q41.
Variant type: single nucleotide variant.
Coding change: c.5365C>A on transcript NM_206933.4 (MANE Select); coding-DNA position 5365, C replaced by A.
Protein change: p.Leu1789Ile; replaces leucine 1789 with isoleucine.
Molecular consequence: missense variant.
Genome position (GRCh38, 1-based): chr1:216,078,296, G>T on the plus strand (C>A on the coding strand, the complement: USH2A is on the minus strand). VCF-style: chr1-216078296-G-T. GRCh37 (hg19) VCF-style: chr1-216251638-G-T.
Other names: short protein forms L1789I.
Identifiers: ClinVar variation 2971556 (VCV002971556.3), dbSNP rs2031823619, ClinGen allele CA344856481.

ClinVar aggregate classification (germline): Uncertain significance (1 of 4 stars; one submission).

Submission:

Labcorp Genetics (formerly Invitae), Labcorp
Classification: Uncertain significance. Last evaluated: 2023-08-16. Review status: criteria provided, single submitter. Criteria: Invitae Variant Classification Sherloc (09022015). Collection method: clinical testing. Allele origin: germline.
Comment: In summary, the available evidence is currently insufficient to determine the role of this variant in disease. Therefore, it has been classified as a Variant of Uncertain Significance. Advanced modeling of protein sequence and biophysical properties (such as structural, functional, and spatial information, amino acid conservation, physicochemical variation, residue mobility, and thermodynamic stability) performed at Invitae indicates that this missense variant is not expected to disrupt USH2A protein function. This variant has not been reported in the literature in individuals affected with USH2A-related conditions. This variant is not present in population databases (gnomAD no frequency). This sequence change replaces leucine, which is neutral and non-polar, with isoleucine, which is neutral and non-polar, at codon 1789 of the USH2A protein (p.Leu1789Ile).